The following is an entry in ClinVar:

NM_025077.4(TOE1):c.554G>A (p.Arg185Gln)

Gene: TOE1 (target of EGR1, exonuclease; plus strand). Cytogenetic location: 1p34.1.
Variant type: single nucleotide variant.
Coding change: c.554G>A on transcript NM_025077.4 (MANE Select); coding-DNA position 554, G replaced by A.
Protein change: p.Arg185Gln; replaces arginine 185 with glutamine.
Molecular consequence: missense variant.
Genome position (GRCh38, 1-based): chr1:45,342,445, G>A. VCF-style: chr1-45342445-G-A. GRCh37 (hg19) VCF-style: chr1-45808117-G-A.
Other names: c.554G>A (NM_025077.3); short protein forms R185Q.
Identifiers: ClinVar variation 1492285 (VCV001492285.10), dbSNP rs535191956, ClinGen allele CA826609.

ClinVar aggregate classification (germline): Uncertain significance. Review status: criteria provided, multiple submitters, no conflicts (2 of 4 stars). 2 submissions from 2 submitters: Uncertain significance (2). Last evaluated 2025-11-03.

Conditions:
Inborn genetic diseases. Identifiers: MedGen C0950123, MeSH D030342.

Allele frequency attached by ClinVar (database versions not stated): ExAC 0.00001; gnomAD 0.00001 and 0.00002; gnomAD exomes 0.00002; TOPMed 0.00003; 1000 Genomes Project 30x 0.00016; 1000 Genomes Project 0.00020.

Submissions (2):

Ambry Genetics
Classification: Uncertain significance for Inborn genetic diseases. Last evaluated: 2025-11-03. Review status: criteria provided, single submitter. Criteria: Ambry Variant Classification Scheme 2023. Collection method: clinical testing. Allele origin: germline.

Labcorp Genetics (formerly Invitae), Labcorp
Classification: Uncertain significance. Last evaluated: 2023-08-30. Review status: criteria provided, single submitter. Criteria: Invitae Variant Classification Sherloc (09022015). Collection method: clinical testing. Allele origin: germline.
Comment: ClinVar contains an entry for this variant (Variation ID: 1492285). This sequence change replaces arginine, which is basic and polar, with glutamine, which is neutral and polar, at codon 185 of the TOE1 protein (p.Arg185Gln). This variant is present in population databases (rs535191956, gnomAD 0.006%). This variant has not been reported in the literature in individuals affected with TOE1-related conditions. Advanced modeling of protein sequence and biophysical properties (such as structural, functional, and spatial information, amino acid conservation, physicochemical variation, residue mobility, and thermodynamic stability) performed at Invitae indicates that this missense variant is not expected to disrupt TOE1 protein function. In summary, the available evidence is currently insufficient to determine the role of this variant in disease. Therefore, it has been classified as a Variant of Uncertain Significance.